The following is an entry in ClinVar:

ClinVar aggregate classification (germline): Uncertain significance. Review status: criteria provided, multiple submitters, no conflicts (2 of 4 stars). 3 submissions from 3 submitters: Uncertain significance (3). Last evaluated 2026-08-08.

Conditions:
Catecholaminergic polymorphic ventricular tachycardia 1. Also called: RYR2-Related Catecholaminergic Polymorphic Ventricular Tachycardia; VENTRICULAR TACHYCARDIA, CATECHOLAMINERGIC POLYMORPHIC, 1, WITH OR WITHOUT ATRIAL DYSFUNCTION AND/OR DILATED CARDIOMYOPATHY; VENTRICULAR TACHYCARDIA, STRESS-INDUCED POLYMORPHIC 1. Identifiers: Orphanet 3286, MedGen C1631597, MONDO:0011484, OMIM 604772.
Catecholaminergic polymorphic ventricular tachycardia (CVPT). Also called: Catecholamine-induced polymorphic ventricular tachycardia. Identifiers: Orphanet 3286, MedGen C5574922, MONDO:0017990.
Cardiovascular phenotype. Identifiers: MedGen CN230736.

Allele frequency attached by ClinVar (database versions not stated): ExAC 0.00001; TOPMed below 0.00001; gnomAD 0.00001; ESP Exome Variant Server 0.00008; gnomAD exomes 0.00001.
gnomAD v4.1: 14 of 1,610,964 alleles (0.00087%); highest among the groups gnomAD compares: Non-Finnish European, 0.0011%; no homozygotes.

Submissions (3):

Ambry Genetics
Classification: Uncertain significance for Cardiovascular phenotype. Last evaluated: 2026-08-08. Review status: criteria provided, single submitter. Criteria: Ambry Variant Classification Scheme 2023. Collection method: clinical testing. Allele origin: germline.
Comment: The p.L3669F variant (also known as c.11005C>T), located in coding exon 78 of the RYR2 gene, results from a C to T substitution at nucleotide position 11005. The leucine at codon 3669 is replaced by phenylalanine, an amino acid with highly similar properties. This amino acid position is conserved. In addition, the in silico prediction for this alteration is inconclusive. Based on the available evidence, the clinical significance of this variant remains unclear.

Labcorp Genetics (formerly Invitae), Labcorp
Classification: Uncertain significance for Catecholaminergic polymorphic ventricular tachycardia 1. Last evaluated: 2023-08-17. Review status: criteria provided, single submitter. Criteria: Invitae Variant Classification Sherloc (09022015). Collection method: clinical testing. Allele origin: germline.
Comment: In summary, the available evidence is currently insufficient to determine the role of this variant in disease. Therefore, it has been classified as a Variant of Uncertain Significance. Advanced modeling of protein sequence and biophysical properties (such as structural, functional, and spatial information, amino acid conservation, physicochemical variation, residue mobility, and thermodynamic stability) has been performed at Invitae for this missense variant, however the output from this modeling did not meet the statistical confidence thresholds required to predict the impact of this variant on RYR2 protein function. This variant has not been reported in the literature in individuals affected with RYR2-related conditions. This variant is present in population databases (rs374720955, gnomAD 0.002%). This sequence change replaces leucine, which is neutral and non-polar, with phenylalanine, which is neutral and non-polar, at codon 3669 of the RYR2 protein (p.Leu3669Phe).

All of Us Research Program, National Institutes of Health
Classification: Uncertain significance for Catecholaminergic polymorphic ventricular tachycardia. Last evaluated: 2023-05-16. Review status: criteria provided, single submitter. Criteria: ACMG Guidelines, 2015. Collection method: clinical testing. Allele origin: germline. Inheritance: Autosomal dominant inheritance. Observed: 1 variant allele, 1 heterozygote.
Comment: This missense variant replaces leucine with phenylalanine at codon 3669 of the RYR2 protein. Computational prediction is inconclusive regarding the impact of this variant on protein structure and function (internally defined REVEL score threshold 0.5 < inconclusive < 0.7, PMID: 27666373). To our knowledge, functional studies have not been reported for this variant. This variant has not been reported in individuals affected with RYR2-related disorders in the literature. This variant has been identified in 2/248248 chromosomes in the general population by the Genome Aggregation Database (gnomAD). The available evidence is insufficient to determine the role of this variant in disease conclusively. Therefore, this variant is classified as a Variant of Uncertain Significance.

This study involves interpretation of variants in research participants for the purpose of population health screening. Participant phenotype was not available at the time of variant classification. Additional details can be found in publication PMID: 35346344, PMCID: PMC8962531

NM_001035.3(RYR2):c.11005C>T (p.Leu3669Phe)

Gene: RYR2 (ryanodine receptor 2; plus strand). Cytogenetic location: 1q43.
Variant type: single nucleotide variant.
Coding change: c.11005C>T on transcript NM_001035.3 (MANE Select); coding-DNA position 11005, C replaced by T.
Protein change: p.Leu3669Phe; replaces leucine 3669 with phenylalanine.
Molecular consequence: missense variant.
Genome position (GRCh38, 1-based): chr1:237,732,115, C>T. VCF-style: chr1-237732115-C-T. GRCh37 (hg19) VCF-style: chr1-237895415-C-T.
Other names: c.11005C>T (NM_001035.2); short protein forms L3669F.
Identifiers: ClinVar variation 2727480 (VCV002727480.5), dbSNP rs374720955, ClinGen allele CA084656.